The following is an entry in ClinVar:

ClinVar aggregate classification (germline): Uncertain significance (1 of 4 stars; one submission).

Submission:

GeneDx
Classification: Uncertain significance. Last evaluated: 2026-03-08. Review status: criteria provided, single submitter. Criteria: GeneDx Variant Classification Process June 2021. Collection method: clinical testing. Allele origin: germline.
Comment: Not observed at significant frequency in large population cohorts (gnomAD); In silico analysis suggests that this missense variant does not alter protein structure/function; Has not been previously published as pathogenic or benign to our knowledge; In silico analysis suggests this variant may impact gene splicing. In the absence of RNA/functional studies, the actual effect of this sequence change is unknown.

NM_002655.3(PLAG1):c.227A>G (p.Lys76Arg)

Gene: PLAG1 (PLAG1 zinc finger; minus strand). Cytogenetic location: 8q12.1.
Variant type: single nucleotide variant.
Coding change: c.227A>G on transcript NM_002655.3 (MANE Select); coding-DNA position 227, A replaced by G.
Protein change: p.Lys76Arg; replaces lysine 76 with arginine.
Molecular consequence: missense variant. On other transcripts: intron variant (1).
Genome position (GRCh38, 1-based): chr8:56,168,043, T>C on the plus strand (A>G on the coding strand, the complement: PLAG1 is on the minus strand). VCF-style: chr8-56168043-T-C. GRCh37 (hg19) VCF-style: chr8-57080602-T-C.
Other names: c.227A>G, p.Lys76Arg (NM_001114634.2); c.-4-540A>G (NM_001114635.2); short protein forms K76R.
Identifiers: ClinVar variation 5008554 (VCV005008554.1).